The following is an entry in ClinVar:

ClinVar aggregate classification (germline): Uncertain significance (1 of 4 stars; one submission).

Conditions:
Joubert syndrome. Also called: CEREBELLOPARENCHYMAL DISORDER IV; JOUBERT-BOLTSHAUSER SYNDROME; Familial aplasia of the vermis. Identifiers: Orphanet 475, MedGen C5979921, MONDO:0018772.
Nephronophthisis. Also called: Juvenile Nephronophthisis. Identifiers: Orphanet 655, MedGen C0687120, MONDO:0019005, HP:0000090.
Meckel-Gruber syndrome. Also called: DYSENCEPHALIA SPLANCHNOCYSTICA; GRUBER SYNDROME; Dysencephalia splachnocystica. Identifiers: Orphanet 564, MedGen C0265215, MONDO:0018921.

Submission:

Labcorp Genetics (formerly Invitae), Labcorp
Classification: Uncertain significance for Joubert syndrome; Meckel-Gruber syndrome; Nephronophthisis. Last evaluated: 2024-02-24. Review status: criteria provided, single submitter. Criteria: Invitae Variant Classification Sherloc (09022015). Collection method: clinical testing. Allele origin: germline.
Comment: This sequence change replaces lysine, which is basic and polar, with asparagine, which is neutral and polar, at codon 2076 of the CEP290 protein (p.Lys2076Asn). This variant is not present in population databases (gnomAD no frequency). This variant has not been reported in the literature in individuals affected with CEP290-related conditions. ClinVar contains an entry for this variant (Variation ID: 1369843). Advanced modeling of protein sequence and biophysical properties (such as structural, functional, and spatial information, amino acid conservation, physicochemical variation, residue mobility, and thermodynamic stability) performed at Invitae indicates that this missense variant is not expected to disrupt CEP290 protein function with a negative predictive value of 80%. In summary, the available evidence is currently insufficient to determine the role of this variant in disease. Therefore, it has been classified as a Variant of Uncertain Significance.

NM_025114.4(CEP290):c.6228A>T (p.Lys2076Asn)

Gene: CEP290 (centrosomal protein 290; minus strand). Cytogenetic location: 12q21.32.
Variant type: single nucleotide variant.
Coding change: c.6228A>T on transcript NM_025114.4 (MANE Select); coding-DNA position 6228, A replaced by T.
Protein change: p.Lys2076Asn; replaces lysine 2076 with asparagine.
Molecular consequence: missense variant.
Genome position (GRCh38, 1-based): chr12:88,064,023, T>A on the plus strand (A>T on the coding strand, the complement: CEP290 is on the minus strand). VCF-style: chr12-88064023-T-A. GRCh37 (hg19) VCF-style: chr12-88457800-T-A.
Other names: short protein forms K2076N.
Identifiers: ClinVar variation 1369843 (VCV001369843.7), dbSNP rs2136813251, ClinGen allele CA385979637.